The following is an entry in ClinVar:

ClinVar aggregate classification (germline): Conflicting classifications of pathogenicity. Review status: criteria provided, conflicting classifications (1 of 4 stars). 4 submissions from 4 submitters: Uncertain significance (2); Likely benign (2). Last evaluated 2026-02-27.

Conditions:
TRIOBP-related disorder. Also called: TRIOBP-related condition.

Allele frequency attached by ClinVar (database versions not stated): TOPMed 0.00009; gnomAD exomes 0.00013 and 0.00019; ESP Exome Variant Server 0.00017; ExAC 0.00018; gnomAD 0.00014 and 0.00015.
gnomAD v4.1: 221 of 1,613,606 alleles (0.014%); highest among the groups gnomAD compares: African/African-American, 0.012%; no homozygotes.

Submissions (4):

PreventionGenetics, part of Exact Sciences
Classification: Likely benign for TRIOBP-related condition. Last evaluated: 2026-02-27. Review status: criteria provided, single submitter. Criteria: ACMG Guidelines, 2015. Collection method: clinical testing. Allele origin: germline.
Comment: This variant is classified as likely benign based on ACMG/AMP sequence variant interpretation guidelines (Richards et al. 2015 PMID: 25741868, with internal and published modifications).

GeneDx
Classification: Uncertain significance. Last evaluated: 2025-10-06. Review status: criteria provided, single submitter. Criteria: GeneDx Variant Classification Process June 2021. Collection method: clinical testing. Allele origin: germline.
Comment: In silico analysis supports that this missense variant has a deleterious effect on protein structure/function; Has not been previously published as pathogenic or benign to our knowledge

Labcorp Genetics (formerly Invitae), Labcorp
Classification: Likely benign. Last evaluated: 2025-09-30. Review status: criteria provided, single submitter. Criteria: Invitae Variant Classification Sherloc (09022015). Collection method: clinical testing. Allele origin: germline.

Blueprint Genetics
Classification: Uncertain significance. Last evaluated: 2024-11-22. Review status: criteria provided, single submitter. Criteria: ACMG Guidelines, 2015. Collection method: clinical testing. Allele origin: germline.

NM_001039141.3(TRIOBP):c.572C>T (p.Pro191Leu)

Gene: TRIOBP (TRIO and F-actin binding protein; plus strand). Cytogenetic location: 22q13.1.
Variant type: single nucleotide variant.
Coding change: c.572C>T on transcript NM_001039141.3 (MANE Select); coding-DNA position 572, C replaced by T.
Protein change: p.Pro191Leu; replaces proline 191 with leucine.
Molecular consequence: missense variant.
Genome position (GRCh38, 1-based): chr22:37,715,878, C>T. VCF-style: chr22-37715878-C-T. GRCh37 (hg19) VCF-style: chr22-38111885-C-T.
Other names: c.572C>T (NM_001039141.2); short protein forms P191L.
Identifiers: ClinVar variation 1578291 (VCV001578291.12), dbSNP rs201532915, ClinGen allele CA10223388.